The following is an entry in ClinVar:

NM_001009944.3(PKD1):c.9015G>A (p.Gln3005=)

Gene: PKD1 (polycystin 1, transient receptor potential channel interacting; minus strand). Cytogenetic location: 16p13.3.
Variant type: single nucleotide variant.
Coding change: c.9015G>A on transcript NM_001009944.3 (MANE Select); coding-DNA position 9015, G replaced by A.
Protein change: p.Gln3005=; no amino-acid change (glutamine 3005 retained).
Molecular consequence: synonymous variant.
Genome position (GRCh38, 1-based): chr16:2,102,567, C>T on the plus strand (G>A on the coding strand, the complement: PKD1 is on the minus strand). VCF-style: chr16-2102567-C-T. GRCh37 (hg19) VCF-style: chr16-2152568-C-T.
Other names: c.9015G>A, p.Gln3005= (NM_000296.4).
Identifiers: ClinVar variation 3043722 (VCV003043722.2), dbSNP rs778650830, ClinGen allele CA7830220.
Genomic context (GRCh38, chr16:2,102,567, plus strand): 5'-CCACACCATGTCCTCCTCGCTGAAGTACTGGCACAGGGACGTGTACAGGCCCACGGACAC[C>T]TGCAGCGCCGACCAGCGGAAGTGGCTGGAGAGGTTCAGATGGTAACTCCCCGCTGGGTCT-3'
Protein context (NP_001009944.3, residues 2995-3015): LSSHFRWSAL[Gln3005=]VSVGLYTSLC

ClinVar aggregate classification (germline): Likely benign (0 of 4 stars; one submission).

Conditions:
PKD1-related disorder. Also called: PKD1-related condition.

Allele frequency attached by ClinVar (database versions not stated): TOPMed below 0.00001; ExAC 0.00001; gnomAD 0.00001.

Submission:

PreventionGenetics, part of Exact Sciences
Classification: Likely benign for PKD1-related condition. Last evaluated: 2022-12-22. Review status: no assertion criteria provided. Collection method: clinical testing. Allele origin: germline.
Comment: This variant is classified as likely benign based on ACMG/AMP sequence variant interpretation guidelines (Richards et al. 2015 PMID: 25741868, with internal and published modifications).